The following is an entry in ClinVar:

ClinVar aggregate classification (germline): Pathogenic/Likely pathogenic. Review status: criteria provided, multiple submitters, no conflicts (2 of 4 stars). 2 submissions from 2 submitters: Pathogenic (1); Likely pathogenic (1). Last evaluated 2022-08-10.

Conditions:
Familial thoracic aortic aneurysm and aortic dissection (TAAD). Also called: Thoracic aortic aneurysms and dissections. Identifiers: Orphanet 91387, MedGen C4707243, MONDO:0019625.
Marfan syndrome (MFS). Also called: Marfan syndrome type 1; Marfan's syndrome; Marfan syndrome, classic; MARFAN SYNDROME, TYPE I; FBN1-Related Marfan Syndrome. Identifiers: Orphanet 284963, Orphanet 558, MedGen C0024796, MONDO:0007947, OMIM 154700.

Submissions (2):

Labcorp Genetics (formerly Invitae), Labcorp
Classification: Pathogenic for Marfan syndrome; Familial thoracic aortic aneurysm and aortic dissection. Last evaluated: 2022-08-10. Review status: criteria provided, single submitter. Criteria: Invitae Variant Classification Sherloc (09022015). Collection method: clinical testing. Allele origin: germline.
Comment: For these reasons, this variant has been classified as Pathogenic. This variant affects a cysteine residue in the EGF-like, TGFBP or hybrid motif domains of FBN1. Cysteine residues are believed to be involved in intramolecular disulfide bridges and have been shown to be important for FBN1 protein structure (PMID: 16905551, 19349279). In addition, missense substitutions affecting cysteine residues within these domains are significantly overrepresented among patients with Marfan syndrome (PMID: 16571647, 17701892). Advanced modeling of protein sequence and biophysical properties (such as structural, functional, and spatial information, amino acid conservation, physicochemical variation, residue mobility, and thermodynamic stability) performed at Invitae indicates that this missense variant is expected to disrupt FBN1 protein function. ClinVar contains an entry for this variant (Variation ID: 1075547). This missense change has been observed in individuals with Marfan syndrome (PMID: 10189222; Invitae). This variant is not present in population databases (gnomAD no frequency). This sequence change replaces cysteine, which is neutral and slightly polar, with tyrosine, which is neutral and polar, at codon 1818 of the FBN1 protein (p.Cys1818Tyr).

Laboratory for Molecular Medicine, Mass General Brigham Personalized Medicine
Classification: Likely pathogenic for Marfan syndrome. Last evaluated: 2020-08-24. Review status: criteria provided, single submitter. Criteria: ACMG Guidelines, 2015. Collection method: clinical testing. Allele origin: germline.
Comment: The p.Cys1818Tyr variant in FBN1 has been identified in 1 individual with Marfan syndrome (Perez 1998 PubMed: 10189222) and was absent from large population studies. Two additional variants involving this codon (p.Cys1818Gly and p.Cys1818Ser) have been identified in individuals with Marfan syndrome (Yoo 2010 PMID: 19863550; Seo 2018 PMID: 29768367). Computational prediction tools and conservation analyses suggest that this variant may impact the protein, though this information is not predictive enough to determine pathogenicity. Furthermore, this variant affects a highly conserved cysteine residue in the EGF-like domains, which is a common finding in individuals with Marfan syndrome (Schrijver 1999). In summary, although additional studies are required to fully establish its clinical significance, this variant meets criteria to be classified as likely pathogenic for autosomal dominant Marfan syndrome. ACMG/AMP Criteria applied: PM1; PM2; PM5_Supporting; PS4_Supporting; PP3.

Literature cited by the submitters: PubMed 16905551 (cited by Labcorp Genetics (formerly Invitae), Labcorp); PubMed 19349279 (cited by Labcorp Genetics (formerly Invitae), Labcorp); PubMed 16571647 (cited by Labcorp Genetics (formerly Invitae), Labcorp); PubMed 17701892 (cited by Labcorp Genetics (formerly Invitae), Labcorp); PubMed 10189222 (cited by Labcorp Genetics (formerly Invitae), Labcorp).

NM_000138.5(FBN1):c.5453G>A (p.Cys1818Tyr)

Gene: FBN1 (fibrillin 1; minus strand). Cytogenetic location: 15q21.1.
Variant type: single nucleotide variant.
Coding change: c.5453G>A on transcript NM_000138.5 (MANE Select); coding-DNA position 5453, G replaced by A.
Protein change: p.Cys1818Tyr; replaces cysteine 1818 with tyrosine.
Molecular consequence: missense variant.
Genome position (GRCh38, 1-based): chr15:48,452,654, C>T on the plus strand (G>A on the coding strand, the complement: FBN1 is on the minus strand). VCF-style: chr15-48452654-C-T. GRCh37 (hg19) VCF-style: chr15-48744851-C-T.
Other names: short protein forms C1818Y.
Identifiers: ClinVar variation 1075547 (VCV001075547.10), dbSNP rs2141256069, ClinGen allele CA392344402.